The following is an entry in ClinVar:

NM_004655.4(AXIN2):c.1220C>T (p.Ser407Phe)

Gene: AXIN2 (axin 2; minus strand). Cytogenetic location: 17q24.1.
Variant type: single nucleotide variant.
Coding change: c.1220C>T on transcript NM_004655.4 (MANE Select); coding-DNA position 1220, C replaced by T.
Protein change: p.Ser407Phe; replaces serine 407 with phenylalanine.
Molecular consequence: missense variant.
Genome position (GRCh38, 1-based): chr17:65,537,816, G>A on the plus strand (C>T on the coding strand, the complement: AXIN2 is on the minus strand). VCF-style: chr17-65537816-G-A. GRCh37 (hg19) VCF-style: chr17-63533934-G-A.
Other names: c.1220C>T, p.Ser407Phe (NM_001363813.1); short protein forms S407F.
Identifiers: ClinVar variation 1361791 (VCV001361791.8), dbSNP rs1349969629, ClinGen allele CA400677935.

ClinVar aggregate classification (germline): Uncertain significance. Review status: criteria provided, multiple submitters, no conflicts (2 of 4 stars). 2 submissions from 2 submitters: Uncertain significance (2). Last evaluated 2025-02-11.

Conditions:
Hereditary cancer-predisposing syndrome. Also called: Tumor predisposition; Hereditary neoplastic syndrome; Neoplastic Syndromes, Hereditary; Hereditary Cancer Syndrome. Identifiers: Orphanet 140162, MedGen C0027672, MeSH D009386, MONDO:0015356.
Oligodontia-cancer predisposition syndrome. Also called: TOOTH AGENESIS-COLORECTAL CANCER SYNDROME. Identifiers: Orphanet 300576, MedGen C1837750, MONDO:0012075, OMIM 608615. Disease mechanism: loss of function.

Allele frequency attached by ClinVar (database versions not stated): TOPMed below 0.00001; gnomAD 0.00001.
gnomAD v4.1: 1 of 1,573,982 alleles (0.000064%); highest among the groups gnomAD compares: Non-Finnish European, 0.000086%; no homozygotes.

Submissions (2):

Labcorp Genetics (formerly Invitae), Labcorp
Classification: Uncertain significance for Oligodontia-cancer predisposition syndrome. Last evaluated: 2025-02-11. Review status: criteria provided, single submitter. Criteria: Invitae Variant Classification Sherloc (09022015). Collection method: clinical testing. Allele origin: germline.
Comment: This sequence change replaces serine, which is neutral and polar, with phenylalanine, which is neutral and non-polar, at codon 407 of the AXIN2 protein (p.Ser407Phe). This variant is not present in population databases (gnomAD no frequency). This variant has not been reported in the literature in individuals affected with AXIN2-related conditions. ClinVar contains an entry for this variant (Variation ID: 1361791). An algorithm developed to predict the effect of missense changes on protein structure and function (PolyPhen-2) suggests that this variant is likely to be tolerated. In summary, the available evidence is currently insufficient to determine the role of this variant in disease. Therefore, it has been classified as a Variant of Uncertain Significance.

Ambry Genetics
Classification: Uncertain significance for Hereditary cancer-predisposing syndrome. Last evaluated: 2020-06-26. Review status: criteria provided, single submitter. Criteria: Ambry Variant Classification Scheme 2023. Collection method: clinical testing. Allele origin: germline.
Comment: The p.S407F variant (also known as c.1220C>T), located in coding exon 5 of the AXIN2 gene, results from a C to T substitution at nucleotide position 1220. The serine at codon 407 is replaced by phenylalanine, an amino acid with highly dissimilar properties. This amino acid position is not well conserved in available vertebrate species. In addition, this alteration is predicted to be tolerated by in silico analysis. Since supporting evidence is limited at this time, the clinical significance of this alteration remains unclear.